The following is an entry in ClinVar:

NM_001252102.2(KIF21B):c.901-1G>C

Gene: KIF21B (kinesin family member 21B; minus strand). Cytogenetic location: 1q32.1.
Variant type: single nucleotide variant.
Coding change: c.901-1G>C on transcript NM_001252102.2 (MANE Select); the canonical splice acceptor site of the intron before coding-DNA position 901, G replaced by C.
Molecular consequence: splice acceptor variant.
Genome position (GRCh38, 1-based): chr1:201,004,456, C>G on the plus strand (G>C on the coding strand, the complement: KIF21B is on the minus strand). VCF-style: chr1-201004456-C-G. GRCh37 (hg19) VCF-style: chr1-200973584-C-G.
Other names: c.901-1G>C (NM_001252103.2, NM_017596.4, NM_001252100.2).
Identifiers: ClinVar variation 3371204 (VCV003371204.1).

ClinVar aggregate classification (germline): Uncertain significance (1 of 4 stars; one submission).

Submission:

GeneDx
Classification: Uncertain significance. Last evaluated: 2024-03-29. Review status: criteria provided, single submitter. Criteria: GeneDx Variant Classification Process June 2021. Collection method: clinical testing. Allele origin: germline. Affected: yes.
Comment: Not observed at significant frequency in large population cohorts (gnomAD); Canonical splice site variant in a gene or region of a gene for which loss of function is not a well-established mechanism of disease; Has not been previously published as pathogenic or benign to our knowledge